The following is an entry in ClinVar:

NM_001079.4(ZAP70):c.1690T>C (p.Cys564Arg)

Gene: ZAP70 (zeta chain of T cell receptor associated protein kinase 70; plus strand). Cytogenetic location: 2q11.2.
Variant type: single nucleotide variant.
Coding change: c.1690T>C on transcript NM_001079.4 (MANE Select); coding-DNA position 1690, T replaced by C.
Protein change: p.Cys564Arg; replaces cysteine 564 with arginine.
Molecular consequence: missense variant.
Genome position (GRCh38, 1-based): chr2:97,738,061, T>C. VCF-style: chr2-97738061-T-C. GRCh37 (hg19) VCF-style: chr2-98354524-T-C.
Other names: c.1690T>C, p.Cys564Arg (NM_001378594.1); c.769T>C, p.Cys257Arg (NM_207519.2); short protein forms C257R, C564R.
Identifiers: ClinVar variation 3720353 (VCV003720353.2).

ClinVar aggregate classification (germline): Likely pathogenic (1 of 4 stars; one submission).

Conditions:
Combined immunodeficiency due to ZAP70 deficiency (IMD48). Also called: Immunodeficiency 48; ZAP70 Deficiency. Identifiers: Orphanet 911, MedGen C2931299, MONDO:0010023, OMIM 269840.

Submission:

Labcorp Genetics (formerly Invitae), Labcorp
Classification: Likely pathogenic for Combined immunodeficiency due to ZAP70 deficiency. Last evaluated: 2024-06-01. Review status: criteria provided, single submitter. Criteria: Invitae Variant Classification Sherloc (09022015). Collection method: clinical testing. Allele origin: germline.
Comment: This sequence change replaces cysteine, which is neutral and slightly polar, with arginine, which is basic and polar, at codon 564 of the ZAP70 protein (p.Cys564Arg). This variant is not present in population databases (gnomAD no frequency). This missense change has been observed in individual(s) with severe combined immunodeficiency (PMID: 18509675). An algorithm developed to predict the effect of missense changes on protein structure and function (PolyPhen-2) suggests that this variant is likely to be disruptive. Experimental studies have shown that this missense change affects ZAP70 function (PMID: 33482200, 36078131). In summary, the currently available evidence indicates that the variant is pathogenic, but additional data are needed to prove that conclusively. Therefore, this variant has been classified as Likely Pathogenic.

Literature cited by the submitters: PubMed 18509675; PubMed 33482200; PubMed 36078131.